The following is an entry in ClinVar:

ClinVar aggregate classification (germline): Pathogenic (1 of 4 stars; one submission).

Conditions:
Asphyxiating thoracic dystrophy 3. Also called: SHORT-RIB THORACIC DYSPLASIA 3 WITH OR WITHOUT POLYDACTYLY; POLYDACTYLY WITH NEONATAL CHONDRODYSTROPHY, TYPE I; SHORT-RIB THORACIC DYSPLASIA 3/6 WITH POLYDACTYLY, DIGENIC; Short rib polydactyly syndrome 2B; Saldino-Noonan Syndrome. Identifiers: Orphanet 474, Orphanet 93269, Orphanet 93270, Orphanet 93271, MedGen C0036069, MONDO:0013127, OMIM 613091.

Submission:

Myriad Genetics, Inc.
Classification: Pathogenic for Asphyxiating thoracic dystrophy 3. Last evaluated: 2026-02-10. Review status: criteria provided, single submitter. Criteria: Myriad Autosomal Dominant, Autosomal Recessive and X-Linked Classification Criteria (2023). Collection method: clinical testing. Allele origin: unknown.
Comment: NM_001377.2(DYNC2H1):c.12451dupA(I4151Nfs*7) is expected to be pathogenic in the context of DYNC2H1-related disorders. This variant is predicted to lead to an abnormal or absent protein product due to the creation of a premature termination codon in DYNC2H1, a gene where loss-of-function variants are known to be pathogenic. Please note: this variant was assessed in the context of healthy population screening.

NM_001377.3(DYNC2H1):c.12451dup (p.Ile4151fs)

Gene: DYNC2H1 (dynein cytoplasmic 2 heavy chain 1; plus strand). Cytogenetic location: 11q22.3.
Variant type: Duplication.
Coding change: c.12451dup on transcript NM_001377.3 (MANE Select); coding-DNA position 12451, one base duplicated (A; older notation c.12451dupA).
Protein change: p.Ile4151fs; shifts the reading frame from isoleucine 4151.
Molecular consequence: frameshift variant.
Genome position (GRCh38, 1-based): chr11:103,436,027, A duplicated; the last of 2 consecutive A bases (chr11:103,436,026-103,436,027); duplicating either gives the same sequence. VCF-style (leftmost placement, unchanged base first): chr11-103436025-C-CA. GRCh37 (hg19) VCF-style: chr11-103306753-C-CA.
Other names: c.12472dup, p.Ile4158fs (NM_001080463.2); short protein forms I4151fs, I4158fs.
Identifiers: ClinVar variation 5015531 (VCV005015531.1).